The following is an entry in ClinVar:

NM_002519.3(NPAT):c.2021T>C (p.Leu674Pro)

Gene: NPAT (nuclear protein, coactivator of histone transcription; minus strand). Cytogenetic location: 11q22.3.
Variant type: single nucleotide variant.
Coding change: c.2021T>C on transcript NM_002519.3 (MANE Select); coding-DNA position 2021, T replaced by C.
Protein change: p.Leu674Pro; replaces leucine 674 with proline.
Molecular consequence: missense variant.
Genome position (GRCh38, 1-based): chr11:108,172,963, A>G on the plus strand (T>C on the coding strand, the complement: NPAT is on the minus strand). VCF-style: chr11-108172963-A-G. GRCh37 (hg19) VCF-style: chr11-108043690-A-G.
Other names: c.2021T>C, p.Leu674Pro (NM_001321307.1); c.2021T>C (NM_002519.2); short protein forms L674P.
Identifiers: ClinVar variation 2869872 (VCV002869872.4), dbSNP rs767989538, ClinGen allele CA6263903.
Genomic context (GRCh38, chr11:108,172,963, plus strand): 5'-GGAGTGCCTTCTGGAGGCGTCAGTGCAACTTTCTCACAGTTAGCATTTCCACCTAAAGAG[A>G]GAAAAATAGTATTCTCTTCTTTTACAGAAGATGAAGGCTCCTGTGAATTCTCAGACTTGG-3'
Protein context (NP_002510.2, residues 664-684): SSVKEENTIF[Leu674Pro]SLGGNANCEK

ClinVar aggregate classification (germline): Uncertain significance. Review status: criteria provided, multiple submitters, no conflicts (2 of 4 stars). 2 submissions from 2 submitters: Uncertain significance (2). Last evaluated 2025-10-29.

Allele frequency attached by ClinVar (database versions not stated): gnomAD 0.00001; gnomAD exomes 0.00001; ExAC 0.00001.
gnomAD v4.1: 7 of 1,613,990 alleles (0.00043%); highest among the groups gnomAD compares: South Asian, 0.0022%; no homozygotes.

Submissions (2):

Ambry Genetics
Classification: Uncertain significance. Last evaluated: 2025-10-29. Review status: criteria provided, single submitter. Criteria: Ambry Variant Classification Scheme 2023. Collection method: clinical testing. Allele origin: germline.

Labcorp Genetics (formerly Invitae), Labcorp
Classification: Uncertain significance. Last evaluated: 2025-05-31. Review status: criteria provided, single submitter. Criteria: Invitae Variant Classification Sherloc (09022015). Collection method: clinical testing. Allele origin: germline.
Comment: This sequence change replaces leucine, which is neutral and non-polar, with proline, which is neutral and non-polar, at codon 674 of the NPAT protein (p.Leu674Pro). This variant is present in population databases (rs767989538, gnomAD 0.003%). This variant has not been reported in the literature in individuals affected with NPAT-related conditions. ClinVar contains an entry for this variant (Variation ID: 2869872). An algorithm developed to predict the effect of missense changes on protein structure and function (PolyPhen-2) suggests that this variant is likely to be disruptive. In summary, the available evidence is currently insufficient to determine the role of this variant in disease. Therefore, it has been classified as a Variant of Uncertain Significance.